The following is an entry in ClinVar:

ClinVar aggregate classification (germline): Uncertain significance. Review status: criteria provided, multiple submitters, no conflicts (2 of 4 stars). 4 submissions from 4 submitters: Uncertain significance (4). Last evaluated 2024-12-03.

Conditions:
Arrhythmogenic right ventricular cardiomyopathy (ARVD). Also called: Cardiomyopathy, ARVC; Arrhythmogenic right ventricular dysplasia; Arrhythmogenic cardiomyopathy; Arrhythmogenic Right Ventricular Cardiomyopathy (ARVC). Identifiers: Orphanet 247, MedGen C0349788, MeSH D019571, MONDO:0016587. Disease mechanism: loss of function. Inheritance: Various modes of inheritance.
Arrhythmogenic right ventricular dysplasia 9 (ARVD9). Also called: Arrhythmogenic Right Ventricular Dysplasia/Cardiomyopathy 9; ARRHYTHMOGENIC RIGHT VENTRICULAR DYSPLASIA, FAMILIAL, 9. Identifiers: MedGen C1836906, MONDO:0012180, OMIM 609040.

Allele frequency attached by ClinVar (database versions not stated): gnomAD exomes below 0.00001 and 0.00002; TOPMed below 0.00001; gnomAD 0.00001; ExAC 0.00002; 1000 Genomes Project 30x 0.00016; 1000 Genomes Project 0.00020.
gnomAD v4.1: 3 of 1,614,226 alleles (0.00019%); highest among the groups gnomAD compares: East Asian, 0.0067%; no homozygotes.

Submissions (4):

GeneDx
Classification: Uncertain significance. Last evaluated: 2024-12-03. Review status: criteria provided, single submitter. Criteria: GeneDx Variant Classification Process June 2021. Collection method: clinical testing. Allele origin: germline. Affected: yes.
Comment: Not observed at significant frequency in large population cohorts (gnomAD); In silico analysis indicates that this missense variant does not alter protein structure/function; Has not been previously published as pathogenic or benign to our knowledge

All of Us Research Program, National Institutes of Health
Classification: Uncertain significance for Arrhythmogenic right ventricular cardiomyopathy. Last evaluated: 2023-12-13. Review status: criteria provided, single submitter. Criteria: ACMG Guidelines, 2015. Collection method: clinical testing. Allele origin: germline. Inheritance: Autosomal dominant inheritance. Observed: 1 variant allele, 1 heterozygote.
Comment: This missense variant replaces leucine with methionine at codon 262 of the PKP2 protein. Computational prediction suggests that this variant may not impact protein structure and function (internally defined REVEL score threshold <= 0.5, PMID: 27666373). To our knowledge, functional studies have not been reported for this variant. This variant has not been reported in individuals affected with PKP2-related disorders in the literature. This variant has been identified in 4/251218 chromosomes in the general population by the Genome Aggregation Database (gnomAD). The available evidence is insufficient to determine the role of this variant in disease conclusively. Therefore, this variant is classified as a Variant of Uncertain Significance.

This study involves interpretation of variants in research participants for the purpose of population health screening. Participant phenotype was not available at the time of variant classification. Additional details can be found in publication PMID: 35346344, PMCID: PMC8962531

Labcorp Genetics (formerly Invitae), Labcorp
Classification: Uncertain significance for Arrhythmogenic right ventricular dysplasia 9. Last evaluated: 2022-03-20. Review status: criteria provided, single submitter. Criteria: Invitae Variant Classification Sherloc (09022015). Collection method: clinical testing. Allele origin: germline.
Comment: This sequence change replaces leucine, which is neutral and non-polar, with methionine, which is neutral and non-polar, at codon 262 of the PKP2 protein (p.Leu262Met). This variant is present in population databases (rs199701968, gnomAD 0.02%). In summary, the available evidence is currently insufficient to determine the role of this variant in disease. Therefore, it has been classified as a Variant of Uncertain Significance. Algorithms developed to predict the effect of missense changes on protein structure and function output the following: SIFT: "Tolerated"; PolyPhen-2: "Benign"; Align-GVGD: "Class C0". The methionine amino acid residue is found in multiple mammalian species, which suggests that this missense change does not adversely affect protein function. ClinVar contains an entry for this variant (Variation ID: 464433). This variant has not been reported in the literature in individuals affected with PKP2-related conditions.

Fulgent Genetics
Classification: Uncertain significance for Arrhythmogenic right ventricular dysplasia 9. Last evaluated: 2018-10-31. Review status: criteria provided, single submitter. Criteria: ACMG Guidelines, 2015. Collection method: clinical testing. Allele origin: unknown.

NM_001005242.3(PKP2):c.784C>A (p.Leu262Met)

Gene: PKP2 (plakophilin 2; minus strand). Cytogenetic location: 12p11.21.
Variant type: single nucleotide variant.
Coding change: c.784C>A on transcript NM_001005242.3 (MANE Select); coding-DNA position 784, C replaced by A.
Protein change: p.Leu262Met; replaces leucine 262 with methionine.
Molecular consequence: missense variant.
Genome position (GRCh38, 1-based): chr12:32,878,096, G>T on the plus strand (C>A on the coding strand, the complement: PKP2 is on the minus strand). VCF-style: chr12-32878096-G-T. GRCh37 (hg19) VCF-style: chr12-33031030-G-T.
Other names: c.784C>A, p.Leu262Met (NM_004572.4); short protein forms L262M.
Identifiers: ClinVar variation 464433 (VCV000464433.12), dbSNP rs199701968, ClinGen allele CA038739.
Genomic context (GRCh38, chr12:32,878,096, plus strand): 5'-GAGTGACGGGCTGCAGGGGCACCAGCGGCCTGACCTGCCCGACAGTGAGCCCTGCCGTCA[G>T]GTAGTTCTCCTTCTCCAAGAGGTTGCCCATGCTGCGGCTGGTCCCTGGCCTGGGGTACGT-3'
Protein context (NP_001005242.2, residues 252-272): MGNLLEKENY[Leu262Met]TAGLTVGQVR